The following is an entry in ClinVar:

NM_015512.5(DNAH1):c.3780G>A (p.Leu1260=)

Gene: DNAH1 (dynein axonemal heavy chain 1; plus strand). Cytogenetic location: 3p21.1.
Variant type: single nucleotide variant.
Coding change: c.3780G>A on transcript NM_015512.5 (MANE Select); coding-DNA position 3780, G replaced by A.
Protein change: p.Leu1260=; no amino-acid change (leucine 1260 retained).
Molecular consequence: synonymous variant.
Genome position (GRCh38, 1-based): chr3:52,356,700, G>A. VCF-style: chr3-52356700-G-A. GRCh37 (hg19) VCF-style: chr3-52390716-G-A.
Identifiers: ClinVar variation 3033262 (VCV003033262.2), dbSNP rs765669650, ClinGen allele CA433761546.
Genomic context (GRCh38, chr3:52,356,700, plus strand): 5'-TCAGCGGTCCTGGCTCTACCTGGAGCCCATCTTTAGCTCTGAGGACATCAACCAGCAGCT[G>A]CCTGTGGAGAGCAAGCGCTACCAGACCATGGAGCGGATCTGGAAGAAGATCATGAAGAAT-3'
Protein context (NP_056327.4, residues 1250-1270): IFSSEDINQQ[Leu1260=]PVESKRYQTM

ClinVar aggregate classification (germline): Likely benign (0 of 4 stars; one submission).

Conditions:
DNAH1-related disorder. Also called: DNAH1-related condition.

Submission:

PreventionGenetics, part of Exact Sciences
Classification: Likely benign for DNAH1-related condition. Last evaluated: 2019-06-12. Review status: no assertion criteria provided. Collection method: clinical testing. Allele origin: germline.
Comment: This variant is classified as likely benign based on ACMG/AMP sequence variant interpretation guidelines (Richards et al. 2015 PMID: 25741868, with internal and published modifications).